The following is an entry in ClinVar:

ClinVar aggregate classification (germline): Uncertain significance. Review status: criteria provided, multiple submitters, no conflicts (2 of 4 stars). 6 submissions from 6 submitters: Uncertain significance (3). 3 of the submissions do not count toward it. Last evaluated 2025-11-27.

Conditions:
TNF receptor-associated periodic fever syndrome (TRAPS) (FPF). Also called: TNF RECEPTOR-ASSOCIATED PERIODIC SYNDROME; TUMOR NECROSIS FACTOR RECEPTOR-ASSOCIATED PERIODIC SYNDROME; FAMILIAL HIBERNIAN FEVER; TNF receptor 1-associated periodic fever syndrome; TNF Receptor-Associated Periodic Fever Syndrome; Autosomal Dominant Familial Periodic Fever. Identifiers: Orphanet 32960, MedGen C1275126, MONDO:0007727, OMIM 142680.
Inborn genetic diseases. Identifiers: MedGen C0950123, MeSH D030342.

Allele frequency attached by ClinVar (database versions not stated): gnomAD exomes 0.00002; gnomAD 0.00003; TOPMed 0.00003.
gnomAD v4.1: 33 of 1,597,612 alleles (0.0021%); highest among the groups gnomAD compares: African/African-American, 0.0027%; no homozygotes.

Submissions (6):

Labcorp Genetics (formerly Invitae), Labcorp
Classification: Uncertain significance for TNF receptor-associated periodic fever syndrome (TRAPS). Last evaluated: 2025-11-27. Review status: criteria provided, single submitter. Criteria: Invitae Variant Classification Sherloc (09022015). Collection method: clinical testing. Allele origin: germline.
Comment: This sequence change replaces histidine, which is basic and polar, with glutamine, which is neutral and polar, at codon 346 of the TNFRSF1A protein (p.His346Gln). This variant is present in population databases (rs201994938, gnomAD 0.005%). This variant has not been reported in the literature in individuals affected with TNFRSF1A-related conditions. ClinVar contains an entry for this variant (Variation ID: 811189). An algorithm developed to predict the effect of missense changes on protein structure and function outputs the following: PolyPhen-2: "Benign". The glutamine amino acid residue is found in multiple mammalian species, which suggests that this missense change does not adversely affect protein function. In summary, the available evidence is currently insufficient to determine the role of this variant in disease. Therefore, it has been classified as a Variant of Uncertain Significance.

Ambry Genetics
Classification: Uncertain significance for Inborn genetic diseases. Last evaluated: 2025-04-13. Review status: criteria provided, single submitter. Criteria: Ambry Variant Classification Scheme 2023. Collection method: clinical testing. Allele origin: germline.

ARUP Laboratories, Molecular Genetics and Genomics, ARUP Laboratories
Classification: Uncertain significance. Last evaluated: 2021-04-27. Review status: criteria provided, single submitter. Criteria: ARUP Molecular Germline Variant Investigation Process 2021. Collection method: clinical testing. Allele origin: germline.
Comment: The TNFRSF1A c.1038C>G; p.His346Gln variant (rs201994938), to our knowledge, is not reported in the medical literature or gene-specific databases. This variant is reported in ClinVar (Variation ID: 811189). The variant is only observed on 2 out of 248208 alleles in the Genome Aggregation Database, indicating it is not a common polymorphism. The histidine at codon 346 is moderately conserved, and computational analyses are uncertain whether this variant is neutral or deleterious (REVEL:0.211). Additionally, there are few known pathogenic variants in this region of the protein (Lobito 2011). Based on available information, the clinical significance of this variant is uncertain. References: Lobito AA et al. Disease causing mutations in the TNF and TNFR superfamilies: Focus on molecular mechanisms driving disease. Trends Mol Med. 2011 Sep;17(9):494-505.

Molecular Genetics Laboratory, BC Children's and BC Women's Hospitals
Classification: Uncertain significance for TNF receptor-associated periodic syndrome. Last evaluated: 2020-08-14. Review status: no assertion criteria provided. Criteria: ACMG Guidelines, 2015. Collection method: clinical testing. Allele origin: germline. Affected: yes. Not counted in ClinVar's aggregate classification.

Clinical Genetics DNA and cytogenetics Diagnostics Lab, Erasmus MC, Erasmus Medical Center
Classification: Likely benign. Review status: no assertion criteria provided. Collection method: clinical testing. Allele origin: germline. Affected: yes. Study: VKGL Data-share Consensus. Not counted in ClinVar's aggregate classification.

Genome Diagnostics Laboratory, University Medical Center Utrecht
Classification: Likely benign. Review status: no assertion criteria provided. Collection method: clinical testing. Allele origin: germline. Affected: yes. Study: VKGL Data-share Consensus. Not counted in ClinVar's aggregate classification.

NM_001065.4(TNFRSF1A):c.1038C>G (p.His346Gln)

Gene: TNFRSF1A (TNF receptor superfamily member 1A; minus strand). Cytogenetic location: 12p13.31.
Variant type: single nucleotide variant.
Coding change: c.1038C>G on transcript NM_001065.4 (MANE Select); coding-DNA position 1038, C replaced by G.
Protein change: p.His346Gln; replaces histidine 346 with glutamine.
Molecular consequence: missense variant. On other transcripts: non-coding transcript variant (1).
Genome position (GRCh38, 1-based): chr12:6,329,797, G>C on the plus strand (C>G on the coding strand, the complement: TNFRSF1A is on the minus strand). VCF-style: chr12-6329797-G-C. GRCh37 (hg19) VCF-style: chr12-6438963-G-C.
Other names: c.714C>G, p.His238Gln (NM_001346091.2); c.579C>G, p.His193Gln (NM_001346092.2); short protein forms H193Q, H238Q, H346Q.
Identifiers: ClinVar variation 811189 (VCV000811189.21), dbSNP rs201994938, ClinGen allele CA6405304.
Genomic context (GRCh38, chr12:6,329,797, plus strand): 5'-CTCCCCCAGCCTCCTCGTCTCCAGCCGCGGGAGAAACTCACTGTCTAGGCTCTGTGGCTT[G>C]TGGGCGCTGTCCTCCCACTTCTGAAGGGGGTTGGGGATGGGGTCGGAGGCGAGGGCTGTC-3'
Protein context (NP_001056.1, residues 336-356): NPLQKWEDSA[His346Gln]KPQSLDTDDP